The following is an entry in ClinVar:

ClinVar aggregate classification (germline): Uncertain significance (1 of 4 stars; one submission).

Submission:

Ambry Genetics
Classification: Uncertain significance. Last evaluated: 2025-02-26. Review status: criteria provided, single submitter. Criteria: Ambry Variant Classification Scheme 2023. Collection method: clinical testing. Allele origin: germline.
Comment: The p.V252E variant (also known as c.755T>A), located in coding exon 4 of the GALNT12 gene, results from a T to A substitution at nucleotide position 755. The valine at codon 252 is replaced by glutamic acid, an amino acid with dissimilar properties. This amino acid position is conserved. In addition, this alteration is predicted to be deleterious by in silico analysis. Based on the available evidence, the clinical significance of this variant remains unclear.

NM_024642.5(GALNT12):c.755T>A (p.Val252Glu)

Gene: GALNT12 (polypeptide N-acetylgalactosaminyltransferase 12; plus strand). Cytogenetic location: 9q22.33.
Variant type: single nucleotide variant.
Coding change: c.755T>A on transcript NM_024642.5 (MANE Select); coding-DNA position 755, T replaced by A.
Protein change: p.Val252Glu; replaces valine 252 with glutamic acid.
Molecular consequence: missense variant.
Genome position (GRCh38, 1-based): chr9:98,831,795, T>A. VCF-style: chr9-98831795-T-A. GRCh37 (hg19) VCF-style: chr9-101594077-T-A.
Other names: short protein forms V252E.
Identifiers: ClinVar variation 3852678 (VCV003852678.1).